The following is an entry in ClinVar:

NM_031471.6(FERMT3):c.560A>G (p.Asp187Gly)

Gene: FERMT3 (FERM domain containing kindlin 3; plus strand). Cytogenetic location: 11q13.1.
Variant type: single nucleotide variant.
Coding change: c.560A>G on transcript NM_031471.6 (MANE Select); coding-DNA position 560, A replaced by G.
Protein change: p.Asp187Gly; replaces aspartic acid 187 with glycine.
Molecular consequence: missense variant.
Genome position (GRCh38, 1-based): chr11:64,211,320, A>G. VCF-style: chr11-64211320-A-G. GRCh37 (hg19) VCF-style: chr11-63978792-A-G.
Other names: c.560A>G, p.Asp187Gly (NM_001382361.1, NM_001382362.1, NM_001382448.1 and 1 more transcripts); c.20A>G, p.Asp7Gly (NM_001382363.1, NM_001382364.1); short protein forms D187G, D7G.
Identifiers: ClinVar variation 1022980 (VCV001022980.8), dbSNP rs1946432873, ClinGen allele CA381082305.

ClinVar aggregate classification (germline): Uncertain significance (1 of 4 stars; one submission).

Conditions:
Leukocyte adhesion deficiency 3. Also called: Leukocyte adhesion deficiency, type III; INTEGRIN ACTIVATION DEFICIENCY DISEASE; LEUKOCYTE ADHESION DEFICIENCY 1 VARIANT. Identifiers: Orphanet 2968, Orphanet 99844, MedGen C2748536, MONDO:0013016, OMIM 612840.

Allele frequency attached by ClinVar (database versions not stated): gnomAD exomes 0.00001.

Submission:

Labcorp Genetics (formerly Invitae), Labcorp
Classification: Uncertain significance for Leukocyte adhesion deficiency 3. Last evaluated: 2020-05-15. Review status: criteria provided, single submitter. Criteria: Invitae Variant Classification Sherloc (09022015). Collection method: clinical testing. Allele origin: germline.
Comment: This variant is not present in population databases (ExAC no frequency). In summary, the available evidence is currently insufficient to determine the role of this variant in disease. Therefore, it has been classified as a Variant of Uncertain Significance. Algorithms developed to predict the effect of missense changes on protein structure and function (SIFT, PolyPhen-2, Align-GVGD) all suggest that this variant is likely to be tolerated, but these predictions have not been confirmed by published functional studies and their clinical significance is uncertain. This variant has not been reported in the literature in individuals with FERMT3-related conditions. This sequence change replaces aspartic acid with glycine at codon 187 of the FERMT3 protein (p.Asp187Gly). The aspartic acid residue is moderately conserved and there is a moderate physicochemical difference between aspartic acid and glycine.